The following is an entry in ClinVar:

ClinVar aggregate classification (germline): Uncertain significance. Review status: criteria provided, multiple submitters, no conflicts (2 of 4 stars). 2 submissions from 2 submitters: Uncertain significance (2).

Conditions:
Hereditary spastic paraplegia 35. Also called: Spastic paraplegia 35; SPASTIC PARAPLEGIA 35, AUTOSOMAL RECESSIVE, WITH OR WITHOUT NEURODEGENERATION; LEUKODYSTROPHY, DYSMYELINATING, AND SPASTIC PARAPARESIS WITH OR WITHOUT DYSTONIA; Spastic paraplegia 35, autosomal recessive. Identifiers: Orphanet 171629, MedGen C3496228, MONDO:0012866, OMIM 612319.

Submissions (2):

Department of Medical Genetics, Sanjay Gandhi Post Graduate Institute of Medical Sciences
Classification: Uncertain significance for Hereditary spastic paraplegia 35. Review status: criteria provided, single submitter. Criteria: ACMG Guidelines, 2015. Collection method: research. Allele origin: germline. Inheritance: Autosomal recessive inheritance. Affected: yes. Observed: 1 homozygote.

Neuberg Centre For Genomic Medicine, NCGM
Classification: Uncertain significance for Hereditary spastic paraplegia 35. Review status: criteria provided, single submitter. Criteria: ACMG Guidelines, 2015. Collection method: clinical testing. Allele origin: germline. Inheritance: Autosomal recessive inheritance. Affected: yes.
Comment: The missense variant c.716A>C (p.His239Pro) in FA2H gene has not been reported previously as a pathogenic variant nor as a benign variant, to our knowledge. The p.His239Pro variant is novel (not in any individuals) in gnomAD Exomes and 1000 Genomes. The amino acid His at position 239 is changed to a Pro changing protein sequence and it might alter its composition and physico-chemical properties. The amino acid change p.His239Pro in FA2H is predicted as conserved by GERP++ and PhyloP across 100 vertebrates. For these reasons, this variant has been classified as Variant of Uncertain Significance (VUS).

Literature cited by the submitters: PubMed 36790591 (cited by Department of Medical Genetics, Sanjay Gandhi Post Graduate Institute of Medical Sciences).

NM_024306.5(FA2H):c.716A>C (p.His239Pro)

Gene: FA2H (fatty acid 2-hydroxylase; minus strand). Cytogenetic location: 16q23.1.
Variant type: single nucleotide variant.
Coding change: c.716A>C on transcript NM_024306.5 (MANE Select); coding-DNA position 716, A replaced by C.
Protein change: p.His239Pro; replaces histidine 239 with proline.
Molecular consequence: missense variant.
Genome position (GRCh38, 1-based): chr16:74,719,058, T>G on the plus strand (A>C on the coding strand, the complement: FA2H is on the minus strand). VCF-style: chr16-74719058-T-G. GRCh37 (hg19) VCF-style: chr16-74752956-T-G.
Other names: p. His239Pro; short protein forms H239P.
Identifiers: ClinVar variation 2585059 (VCV002585059.2), dbSNP rs2544316570, ClinGen allele CA396769510.
Genomic context (GRCh38, chr16:74,719,058, plus strand): 5'-TGGCCGTGCATGACGAAGTGCAGCATGATGAGGTAATAGCTGTCGCTGGGGGGCTTCATG[T>G]GGAACAGGAAGCGGTGGATGAGGTACTCGATGAGGCTCCAGAGGAATGTCCCCAGCATGA-3'
Protein context (NP_077282.3, residues 229-249): IEYLIHRFLF[His239Pro]MKPPSDSYYL